The following is an entry in ClinVar:

NM_004036.5(ADCY3):c.313C>T (p.Leu105=)

Gene: ADCY3 (adenylate cyclase 3; minus strand). Cytogenetic location: 2p23.3.
Variant type: single nucleotide variant.
Coding change: c.313C>T on transcript NM_004036.5 (MANE Select); coding-DNA position 313, C replaced by T.
Protein change: p.Leu105=; no amino-acid change (leucine 105 retained).
Molecular consequence: synonymous variant.
Genome position (GRCh38, 1-based): chr2:24,918,675, G>A on the plus strand (C>T on the coding strand, the complement: ADCY3 is on the minus strand). VCF-style: chr2-24918675-G-A. GRCh37 (hg19) VCF-style: chr2-25141544-G-A.
Other names: c.313C>T, p.Leu105= (NM_001320613.2, NM_001377128.1, NM_001377129.1 and 2 more transcripts).
Identifiers: ClinVar variation 3346694 (VCV003346694.1).

ClinVar aggregate classification (germline): Likely benign (0 of 4 stars; one submission).

Conditions:
ADCY3-related disorder. Also called: ADCY3-related condition.

gnomAD v4.1: 18 of 1,614,118 alleles (0.0011%); highest among the groups gnomAD compares: Non-Finnish European, 0.0014%; no homozygotes.

Submission:

PreventionGenetics, part of Exact Sciences
Classification: Likely benign for ADCY3-related condition. Last evaluated: 2024-05-17. Review status: no assertion criteria provided. Collection method: clinical testing. Allele origin: germline.
Comment: This variant is classified as likely benign based on ACMG/AMP sequence variant interpretation guidelines (Richards et al. 2015 PMID: 25741868, with internal and published modifications).